The following is an entry in ClinVar:

NM_033305.3(VPS13A):c.1398_1402delinsA (p.Tyr467fs)

Gene: VPS13A (vacuolar protein sorting 13 homolog A; plus strand). Cytogenetic location: 9q21.2.
Variant type: Indel.
Coding change: c.1398_1402delinsA on transcript NM_033305.3 (MANE Select); coding-DNA positions 1398 to 1402, CTATG replaced by A.
Protein change: p.Tyr467fs; shifts the reading frame from tyrosine 467.
Molecular consequence: frameshift variant.
Genome position (GRCh38, 1-based): chr9:77,227,431-77,227,435, CTATG replaced by A. VCF-style: chr9-77227431-CTATG-A. GRCh37 (hg19) VCF-style: chr9-79842347-CTATG-A.
Other names: c.1398_1402delinsA, p.Tyr467fs (NM_001018037.2, NM_001018038.3, NM_015186.4); short protein forms Y467fs.
Identifiers: ClinVar variation 5010925 (VCV005010925.1).

ClinVar aggregate classification (germline): Pathogenic (1 of 4 stars; one submission).

Conditions:
VPS13A-related neurodegenerative disease. Also called: ACANTHOCYTOSIS WITH NEUROLOGIC DISORDER; LEVINE-CRITCHLEY SYNDROME; Choreoacanthocytosis; Chorea-acanthocytosis; Choreaacanthocytosis; VPS13A Disease. Identifiers: Orphanet 2388, MedGen C0393576, MONDO:0008695, OMIM 200150.

Submission:

Myriad Genetics, Inc.
Classification: Pathogenic for VPS13A-related neurodegenerative disease. Last evaluated: 2024-05-14. Review status: criteria provided, single submitter. Criteria: Myriad Autosomal Dominant, Autosomal Recessive and X-Linked Classification Criteria (2023). Collection method: clinical testing. Allele origin: unknown.
Comment: NM_033305.2(VPS13A):c.1398_1402del5ins1(Y467Kfs*15) is expected to be pathogenic in the context of VPS13A disease. This variant is predicted to lead to an abnormal or absent protein product due to the creation of a premature termination codon in VPS13A, a gene where loss-of-function variants are known to be pathogenic. Please note: this variant was assessed in the context of healthy population screening.